The following is an entry in ClinVar:

NM_016333.4(SRRM2):c.4537del (p.Gln1513fs)

Gene: SRRM2 (serine/arginine repetitive matrix 2; plus strand). Cytogenetic location: 16p13.3.
Variant type: Deletion.
Coding change: c.4537del on transcript NM_016333.4 (MANE Select); coding-DNA position 4537, one base deleted (C; older notation c.4537delC).
Protein change: p.Gln1513fs; shifts the reading frame from glutamine 1513.
Molecular consequence: frameshift variant.
Genome position (GRCh38, 1-based): chr16:2,765,065, C deleted; the last of 6 consecutive C bases (chr16:2,765,060-2,765,065); deleting any one gives the same sequence. VCF-style (leftmost placement, unchanged base first): chr16-2765059-AC-A. GRCh37 (hg19) VCF-style: chr16-2815060-AC-A.
Other names: NM_016333.4:c.4537del; short protein forms Q1513fs.
Identifiers: ClinVar variation 3075954 (VCV003075954.2), dbSNP rs1567235879, ClinGen allele CA645577299.
Genomic context (GRCh38, chr16:2,765,059, plus strand): 5'-CAGACTCCTAGGCCGAGGAGTCGTTCTCCATCATCCCCAGAGCTCAACAACAAGTGTCTT[AC>A]CCCCCAGAGAGAAAGAAGCGGGTCAGAATCATCAGTTGATCAGAAAACTGTGGCTCGGAC-3'

ClinVar aggregate classification (germline): Pathogenic/Likely pathogenic. Review status: criteria provided, multiple submitters, no conflicts (2 of 4 stars). 2 submissions from 2 submitters: Pathogenic (1); Likely pathogenic (1). Last evaluated 2026-03-02.

Conditions:
Intellectual developmental disorder, autosomal dominant 72 (MRD72). Identifiers: Orphanet 652487, MedGen C5830612, MONDO:0957397, OMIM 620439.
Neurodevelopmental disorder. Identifiers: MedGen C1535926, MeSH D065886, MONDO:0700092.

Submissions (2):

Broad Center for Mendelian Genomics, Broad Institute of MIT and Harvard
Classification: Pathogenic for Intellectual developmental disorder, autosomal dominant 72. Last evaluated: 2026-03-02. Review status: criteria provided, single submitter. Criteria: ACMG Guidelines, 2015. Collection method: research. Allele origin: germline. Inheritance: Autosomal dominant inheritance.
Comment: Trio exome analysis showed this variant to be de novo. The p.Gln1513ArgfsTer35 variant in SRRM2 has not been previously reported in the literature in individuals with autosomal dominant intellectual developmental disorder-72 and was absent from large population studies. This variant is predicted to cause a frameshift, which alters the protein’s amino acid sequence beginning at position 1513 and leads to a premature termination codon 35 amino acids downstream. This alteration is then predicted to lead to a truncated or absent protein. Heterozygous loss of function of the SRRM2 gene is an established disease mechanism in autosomal dominant intellectual developmental disorder-72. In summary, this variant meets criteria to be classified as pathogenic for autosomal dominant intellectual developmental disorder-72. ACMG/AMP Criteria applied: PVS1, PM2_supporting, PS2_supporting (Richards 2015).

Laboratory for Molecular Medicine, Mass General Brigham Personalized Medicine
Classification: Likely pathogenic for Neurodevelopmental disorder. Last evaluated: 2023-08-16. Review status: criteria provided, single submitter. Criteria: ACMG Guidelines, 2015. Collection method: clinical testing. Allele origin: germline. Inheritance: Autosomal dominant inheritance.
Comment: The p.Gln1513ArgfsX35 variant in SRRM2 has not been previously reported in individuals with SRRM2-related neurodevelopmental disorder (autosomal dominant intellectual developmental disorder-72). This variant was absent from large population studies (gnomAD). This variant is predicted to cause a frameshift, which alters the protein’s amino acid sequence beginning at position 1513 and leads to a premature termination codon 35 amino acids downstream. This alteration is then predicted to lead to a truncated or absent protein. Loss of function of the SRRM2 gene is an established disease mechanism in autosomal dominant SRRM2-related neurodevelopmental disorder (Cuinat 2022 PMID: 35567594, Regan-Fendt 2023 PMID: 37212523, Sheng 2023 PMID: 37272925). This variant occurs in exon 11 of SRRM2, where the majority of pathogenic loss-of-function variants in this gene have been identified (Kaplanis 2020 PMID: 33057194, Cuinat 2022 PMID: 35567594, Regan-Fendt 2023 PMID: 37212523). In summary, this variant meets criteria to be classified as likely pathogenic for autosomal dominant SRRM2-related neurodevelopmental disorder. ACMG/AMP Criteria applied: PVS2, PM2_Supporting.

Literature cited by the submitters: PubMed 37212523 (cited by Laboratory for Molecular Medicine, Mass General Brigham Personalized Medicine); PubMed 37272925 (cited by Laboratory for Molecular Medicine, Mass General Brigham Personalized Medicine); PubMed 33057194 (cited by Laboratory for Molecular Medicine, Mass General Brigham Personalized Medicine); PubMed 35567594 (cited by Laboratory for Molecular Medicine, Mass General Brigham Personalized Medicine).